The following is an entry in ClinVar:

NM_001267550.2(TTN):c.1185C>T (p.Ala395=)

Gene: TTN (titin; minus strand). Cytogenetic location: 2q31.2.
Variant type: single nucleotide variant.
Coding change: c.1185C>T on transcript NM_001267550.2 (MANE Select); coding-DNA position 1185, C replaced by T.
Protein change: p.Ala395=; no amino-acid change (alanine 395 retained).
Molecular consequence: synonymous variant.
Genome position (GRCh38, 1-based): chr2:178,794,982, G>A on the plus strand (C>T on the coding strand, the complement: TTN is on the minus strand). VCF-style: chr2-178794982-G-A. GRCh37 (hg19) VCF-style: chr2-179659709-G-A.
Other names: c.1185C>T, p.Ala395= (NM_001256850.1, NM_003319.4, NM_133378.4 and 3 more transcripts).
Identifiers: ClinVar variation 378798 (VCV000378798.14), dbSNP rs372346898, ClinGen allele CA2006128.
Genomic context (GRCh38, chr2:178,794,982, plus strand): 5'-CTCTTTAGCACCAGTGGCAACAGCCTCTGCTGCGTAGCTAGCACTGGCCGACACACTGGC[G>A]GCAGCACCCGCAGCACCACTGATGGTCACTTGCTCCTGGACACCGTATCTCCCTTCCCAT-3'
Protein context (NP_001254479.2, residues 385-405): QVTISGAAGA[Ala395=]ASVSASASYA

ClinVar aggregate classification (germline): Likely benign. Review status: criteria provided, multiple submitters, no conflicts (2 of 4 stars). 4 submissions from 4 submitters: Likely benign (4). Last evaluated 2026-03-27.

Conditions:
Cardiovascular phenotype. Identifiers: MedGen CN230736.
Autosomal recessive limb-girdle muscular dystrophy type 2J (LGMDR10). Also called: Limb-girdle muscular dystrophy, type 2J; MUSCULAR DYSTROPHY, LIMB-GIRDLE, AUTOSOMAL RECESSIVE 10. Identifiers: Orphanet 140922, MedGen C1837342, MONDO:0012127, OMIM 608807.
Dilated cardiomyopathy 1G (CMD1G). Identifiers: Orphanet 154, MedGen C1858763, MONDO:0011400, OMIM 604145.

Allele frequency attached by ClinVar (database versions not stated): gnomAD 0.00001; TOPMed below 0.00001; ExAC 0.00001.
gnomAD v4.1: 54 of 1,607,520 alleles (0.0034%); highest among the groups gnomAD compares: African/African-American, 0.013%; 1 homozygote.

Submissions (4):

Molecular Diagnostic Laboratory for Inherited Cardiovascular Disease, Montreal Heart Institute
Classification: Likely benign. Last evaluated: 2026-03-27. Review status: criteria provided, single submitter. Criteria: ACMG Guidelines, 2015. Collection method: clinical testing. Allele origin: germline. Affected: no.

Labcorp Genetics (formerly Invitae), Labcorp
Classification: Likely benign for Dilated cardiomyopathy 1G; Autosomal recessive limb-girdle muscular dystrophy type 2J. Last evaluated: 2026-02-01. Review status: criteria provided, single submitter. Criteria: Invitae Variant Classification Sherloc (09022015). Collection method: clinical testing. Allele origin: germline.

Ambry Genetics
Classification: Likely benign for Cardiovascular phenotype. Last evaluated: 2019-09-03. Review status: criteria provided, single submitter. Criteria: Ambry Variant Classification Scheme 2023. Collection method: clinical testing. Allele origin: germline.

GeneDx
Classification: Likely benign. Last evaluated: 2016-01-04. Review status: criteria provided, single submitter. Criteria: GeneDx Variant Classification (06012015). Collection method: clinical testing. Allele origin: germline. Affected: yes.
Comment: This variant is considered likely benign or benign based on one or more of the following criteria: it is a conservative change, it occurs at a poorly conserved position in the protein, it is predicted to be benign by multiple in silico algorithms, and/or has population frequency not consistent with disease.